The following is an entry in ClinVar:

ClinVar aggregate classification (germline): Uncertain significance (1 of 4 stars; one submission).

Allele frequency attached by ClinVar (database versions not stated): gnomAD exomes below 0.00001.
gnomAD v4.1: 2 of 1,614,016 alleles (0.00012%); highest among the groups gnomAD compares: African/African-American, 0.0027%; no homozygotes.

Submission:

Labcorp Genetics (formerly Invitae), Labcorp
Classification: Uncertain significance. Last evaluated: 2022-07-06. Review status: criteria provided, single submitter. Criteria: Invitae Variant Classification Sherloc (09022015). Collection method: clinical testing. Allele origin: germline.
Comment: This sequence change replaces valine, which is neutral and non-polar, with leucine, which is neutral and non-polar, at codon 458 of the TTLL5 protein (p.Val458Leu). This variant is not present in population databases (gnomAD no frequency). This variant has not been reported in the literature in individuals affected with TTLL5-related conditions. ClinVar contains an entry for this variant (Variation ID: 1060092). Algorithms developed to predict the effect of missense changes on protein structure and function (SIFT, PolyPhen-2, Align-GVGD) all suggest that this variant is likely to be tolerated. In summary, the available evidence is currently insufficient to determine the role of this variant in disease. Therefore, it has been classified as a Variant of Uncertain Significance.

NM_015072.5(TTLL5):c.1372G>C (p.Val458Leu)

Gene: TTLL5 (tubulin tyrosine ligase like 5; plus strand). Cytogenetic location: 14q24.3.
Variant type: single nucleotide variant.
Coding change: c.1372G>C on transcript NM_015072.5 (MANE Select); coding-DNA position 1372, G replaced by C.
Protein change: p.Val458Leu; replaces valine 458 with leucine.
Molecular consequence: missense variant.
Genome position (GRCh38, 1-based): chr14:75,745,185, G>C. VCF-style: chr14-75745185-G-C. GRCh37 (hg19) VCF-style: chr14-76211528-G-C.
Other names: short protein forms V458L.
Identifiers: ClinVar variation 1060092 (VCV001060092.9), dbSNP rs1286182596, ClinGen allele CA390465402.
Genomic context (GRCh38, chr14:75,745,185, plus strand): 5'-GAAATGAAAAACCTCGTGGGCTCAGCCCGGGAGAAAGGGCCAGGGAAGTTGGGTGGTTCT[G>C]TGCTTGGTCTGTCAATGGAGGAGGTAAAGATAAGTTCATTTTAGGCTTTTGTGGGTTAAC-3'
Protein context (NP_055887.3, residues 448-468): EKGPGKLGGS[Val458Leu]LGLSMEEIKV